The following is an entry in ClinVar:

NM_012293.3(PXDN):c.2228C>G (p.Thr743Arg)

Gene: PXDN (peroxidasin; minus strand). Cytogenetic location: 2p25.3.
Variant type: single nucleotide variant.
Coding change: c.2228C>G on transcript NM_012293.3 (MANE Select); coding-DNA position 2228, C replaced by G.
Protein change: p.Thr743Arg; replaces threonine 743 with arginine.
Molecular consequence: missense variant.
Genome position (GRCh38, 1-based): chr2:1,649,552, G>C on the plus strand (C>G on the coding strand, the complement: PXDN is on the minus strand). VCF-style: chr2-1649552-G-C. GRCh37 (hg19) VCF-style: chr2-1653324-G-C.
Other names: short protein forms T743R.
Identifiers: ClinVar variation 3150057 (VCV003150057.2), dbSNP rs758592134, ClinGen allele CA1513028.
Genomic context (GRCh38, chr2:1,649,552, plus strand): 5'-AAGGCGGTCAGCGAGGCGCCCCACATGGGGTGCTGCAGGTTGTTACAGGTGCCGTCGTGC[G>C]TCCGGTACTTCTGGTGGAAGCACATGTCCGAGCAGTTGTTCACGCGCCGGTGGGCGGTAC-3'
Protein context (NP_036425.1, residues 733-753): SDMCFHQKYR[Thr743Arg]HDGTCNNLQH

ClinVar aggregate classification (germline): Uncertain significance. Review status: criteria provided, multiple submitters, no conflicts (2 of 4 stars). 2 submissions from 2 submitters: Uncertain significance (2). Last evaluated 2025-08-07.

Conditions:
Anterior segment dysgenesis 7 (ASGD7). Also called: SCLEROCORNEA WITH OTHER OCULAR ANOMALIES; Anterior segment dysgenesis 7, with sclerocornea. Identifiers: Orphanet 289499, MedGen C3151617, MONDO:0010015, OMIM 269400.
Inborn genetic diseases. Identifiers: MedGen C0950123, MeSH D030342.

gnomAD v4.1: 5 of 1,614,046 alleles (0.00031%); highest among the groups gnomAD compares: Non-Finnish European, 0.00034%; no homozygotes.

Submissions (2):

Labcorp Genetics (formerly Invitae), Labcorp
Classification: Uncertain significance for Anterior segment dysgenesis 7. Last evaluated: 2025-08-07. Review status: criteria provided, single submitter. Criteria: Invitae Variant Classification Sherloc (09022015). Collection method: clinical testing. Allele origin: germline.
Comment: This sequence change replaces threonine, which is neutral and polar, with arginine, which is basic and polar, at codon 743 of the PXDN protein (p.Thr743Arg). This variant is present in population databases (rs758592134, gnomAD 0.0009%). This variant has not been reported in the literature in individuals affected with PXDN-related conditions. ClinVar contains an entry for this variant (Variation ID: 3150057). Invitae Evidence Modeling of protein sequence and biophysical properties (such as structural, functional, and spatial information, amino acid conservation, physicochemical variation, residue mobility, and thermodynamic stability) has been performed for this missense variant. However, the output from this modeling did not meet the statistical confidence thresholds required to predict the impact of this variant on PXDN protein function. In summary, the available evidence is currently insufficient to determine the role of this variant in disease. Therefore, it has been classified as a Variant of Uncertain Significance.

Ambry Genetics
Classification: Uncertain significance for Inborn genetic diseases. Last evaluated: 2023-09-29. Review status: criteria provided, single submitter. Criteria: Ambry Variant Classification Scheme 2023. Collection method: clinical testing. Allele origin: germline.